The following is an entry in ClinVar:

ClinVar aggregate classification (germline): Pathogenic (1 of 4 stars; one submission).

Submission:

Illumina Laboratory Services, Illumina
Classification: Pathogenic. Last evaluated: 2022-01-10. Review status: criteria provided, single submitter. Criteria: ICSL CNVClassificationCriteria Aug2020. Collection method: clinical testing. Allele origin: unknown.
Comment: This CNV is a 42.5 Mb duplication of Xq21.1q24 on chromosome X, (seq[GRCh37]dup(X)(q21.1q24); chrX:g.76794355_119282836dup). The CNV constitutes a duplication encompassing 178 protein coding genes, including the PLP1 gene, which is associated with Pelizaeus-Merzbzcher disease (PMD) and is the only gene in the duplication currently reported with triplosensitivity. The centromeric breakpoint of this CNV is within the ATRX gene, which is associated with alpha-thalassemia X-linked intellectual disability syndrome; however, carrier females rarely show clinical manifestations and have skewed X inactivation (Stevenson, 2000). At least ten affected female individuals with similar chromosome X duplications have been reported in literature, including at least six who carried the variant in a de novo state (Carrozzo et al. 1997; Tachdjian et al. 2004; Firth et al. 2009; Carvalho et al. 2012; Jin et al. 2015; Parissone et al. 2020). Common features of PMD includes hypomyelination, nystagmus, ataxia, developmental delay, and spastic quadriplegia (Wolf et al. 1999). Female probands carrying similar duplications exhibit variable phenotypes compared to males, ranging from mild to severe, and include global developmental delay, gonadal dysgenesis, intrauterine growth restriction, failure to thrive, feeding difficulties, behavioral abnormalities, skeletal anomalies, short stature, low weight, dysmorphic features, seizures, wide spaced nipples, high arched palate, brachydactyly, clinodactyly, and hearing loss (Carrozzo et al. 1997; Tachdjian et al. 2004; Carvalho et al. 2012; Parissone et al. 2020). This CNV has not been reported in controls. Based on the available evidence, this CNV is classified as pathogenic.

Literature cited by the submitters: PubMed 15526291; PubMed 19344873; PubMed 20301361; PubMed 20301622; PubMed 21623770; PubMed 25956375; PubMed 31938033; PubMed 9332664.

GRCh37/hg19 Xq21.1-24(chrX:76794355-119282836)x3

Genes: ACSL4 (acyl-CoA synthetase long chain family member 4; minus strand), AGTR2 (angiotensin II receptor type 2; plus strand), AKAP14 (A-kinase anchoring protein 14; plus strand), ALG13 (ALG13 UDP-N-acetylglucosaminyltransferase subunit; plus strand), AMMECR1 (AMMECR nuclear protein 1; minus strand) and 173 more. Cytogenetic location: Xq21.1-24.
Variant type: copy number gain.
Change: copy number 3 of chrX:76,794,355-119,282,836 (42.49 Mb, GRCh37 coordinates, 1-based), cytogenetic band Xq21.1-24.
Identifiers: ClinVar variation 1710513 (VCV001710513.3).